The following is an entry in ClinVar:

NM_024422.6(DSC2):c.2083T>C (p.Trp695Arg)

Gene: DSC2 (desmocollin 2; minus strand). Cytogenetic location: 18q12.1.
Variant type: single nucleotide variant.
Coding change: c.2083T>C on transcript NM_024422.6 (MANE Select); coding-DNA position 2083, T replaced by C.
Protein change: p.Trp695Arg; replaces tryptophan 695 with arginine.
Molecular consequence: missense variant.
Genome position (GRCh38, 1-based): chr18:31,071,647, A>G on the plus strand (T>C on the coding strand, the complement: DSC2 is on the minus strand). VCF-style: chr18-31071647-A-G. GRCh37 (hg19) VCF-style: chr18-28651613-A-G.
Other names: c.1654T>C, p.Trp552Arg (NM_001406506.1, NM_001406507.1); c.2083T>C, p.Trp695Arg (NM_004949.5); short protein forms W552R, W695R.
Identifiers: ClinVar variation 3907813 (VCV003907813.1).
Genomic context (GRCh38, chr18:31,071,647, plus strand): 5'-AAAGGACTTAAGACTTACAAAAGAGCAATGCTATGCCCAACAATATTGCAAGGATGGCCC[A>G]CTTTCCAAGTTGTACTCCTCCACCGCCAATCCTTGGATCTACACGATGTGTGCAGTCATT-3'
Protein context (NP_077740.1, residues 685-705): IGGGGVQLGK[Trp695Arg]AILAILLGIA

ClinVar aggregate classification (germline): Uncertain significance (1 of 4 stars; one submission).

gnomAD v4.1: 2 of 1,614,140 alleles (0.00012%); highest among the groups gnomAD compares: Non-Finnish European, 0.00017%; no homozygotes.

Submission:

GeneDx
Classification: Uncertain significance. Last evaluated: 2024-12-22. Review status: criteria provided, single submitter. Criteria: GeneDx Variant Classification Process June 2021. Collection method: clinical testing. Allele origin: germline. Affected: yes.
Comment: Not observed at significant frequency in large population cohorts (gnomAD); In silico analysis supports that this missense variant has a deleterious effect on protein structure/function; Has not been previously published as pathogenic or benign to our knowledge